The following is an entry in ClinVar:

NM_001166108.2(PALLD):c.37T>C (p.Ser13Pro)

Gene: PALLD (palladin, cytoskeletal associated protein; plus strand). Cytogenetic location: 4q32.3.
Variant type: single nucleotide variant.
Coding change: c.37T>C on transcript NM_001166108.2 (MANE Select); coding-DNA position 37, T replaced by C.
Protein change: p.Ser13Pro; replaces serine 13 with proline.
Molecular consequence: missense variant.
Genome position (GRCh38, 1-based): chr4:168,511,541, T>C. VCF-style: chr4-168511541-T-C. GRCh37 (hg19) VCF-style: chr4-169432692-T-C.
Other names: c.37T>C, p.Ser13Pro (NM_016081.4); short protein forms S13P.
Identifiers: ClinVar variation 1735060 (VCV001735060.2), dbSNP rs1339215037, ClinGen allele CA358724046.

ClinVar aggregate classification (germline): Uncertain significance (1 of 4 stars; one submission).

gnomAD v4.1: 17 of 1,614,030 alleles (0.0011%); highest among the groups gnomAD compares: Non-Finnish European, 0.0014%; no homozygotes.

Submission:

Ambry Genetics
Classification: Uncertain significance. Last evaluated: 2022-06-28. Review status: criteria provided, single submitter. Criteria: Ambry Variant Classification Scheme 2023. Collection method: clinical testing. Allele origin: germline.
Comment: The p.S13P variant (also known as c.37T>C), located in coding exon 1 of the PALLD gene, results from a T to C substitution at nucleotide position 37. The serine at codon 13 is replaced by proline, an amino acid with similar properties. This amino acid position is conserved. In addition, this alteration is predicted to be tolerated by in silico analysis. Since supporting evidence is limited at this time, the clinical significance of this alteration remains unclear.